The following is an entry in ClinVar:

NM_024753.5(TTC21B):c.479A>C (p.Tyr160Ser)

Genes: TTC21B (tetratricopeptide repeat domain 21B; minus strand), TTC21B-AS1 (TTC21B antisense RNA 1; plus strand). Cytogenetic location: 2q24.3.
Variant type: single nucleotide variant.
Coding change: c.479A>C on transcript NM_024753.5 (MANE Select); coding-DNA position 479, A replaced by C.
Protein change: p.Tyr160Ser; replaces tyrosine 160 with serine.
Molecular consequence: missense variant.
Genome position (GRCh38, 1-based): chr2:165,943,292, T>G on the plus strand (A>C on the coding strand, the complement: TTC21B is on the minus strand). VCF-style: chr2-165943292-T-G. GRCh37 (hg19) VCF-style: chr2-166799802-T-G.
Other names: short protein forms Y160S.
Identifiers: ClinVar variation 4794192 (VCV004794192.1).

ClinVar aggregate classification (germline): Uncertain significance (1 of 4 stars; one submission).

Conditions:
Jeune thoracic dystrophy. Also called: Jeune syndrome; Infantile thoracic dystrophy; Thoracic pelvic phalangeal dystrophy; Jeune's syndrome; Chondroectodermal dysplasia-like syndrome; Short-rib thoracic dysplasia. Identifiers: Orphanet 474, MedGen C0265275, MONDO:0018770.
Nephronophthisis. Also called: Juvenile Nephronophthisis. Identifiers: Orphanet 655, MedGen C0687120, MONDO:0019005, HP:0000090.

gnomAD v4.1: 5 of 1,611,724 alleles (0.00031%); highest among the groups gnomAD compares: Non-Finnish European, 0.00042%; no homozygotes.

Submission:

Labcorp Genetics (formerly Invitae), Labcorp
Classification: Uncertain significance for Jeune thoracic dystrophy; Nephronophthisis. Last evaluated: 2026-01-08. Review status: criteria provided, single submitter. Criteria: Invitae Variant Classification Sherloc (09022015). Collection method: clinical testing. Allele origin: germline.
Comment: This sequence change replaces tyrosine, which is neutral and polar, with serine, which is neutral and polar, at codon 160 of the TTC21B protein (p.Tyr160Ser). This variant is not present in population databases (gnomAD no frequency). This variant has not been reported in the literature in individuals affected with TTC21B-related conditions. Invitae Evidence Modeling of protein sequence and biophysical properties (such as structural, functional, and spatial information, amino acid conservation, physicochemical variation, residue mobility, and thermodynamic stability) indicates that this missense variant is not expected to disrupt TTC21B protein function with a negative predictive value of 95%. In summary, the available evidence is currently insufficient to determine the role of this variant in disease. Therefore, it has been classified as a Variant of Uncertain Significance.